The following is an entry in ClinVar:

ClinVar aggregate classification (germline): Likely pathogenic (1 of 4 stars; one submission).

Conditions:
Dilated cardiomyopathy 1G (CMD1G). Identifiers: Orphanet 154, MedGen C1858763, MONDO:0011400, OMIM 604145.
Autosomal recessive limb-girdle muscular dystrophy type 2J (LGMDR10). Also called: Limb-girdle muscular dystrophy, type 2J; MUSCULAR DYSTROPHY, LIMB-GIRDLE, AUTOSOMAL RECESSIVE 10. Identifiers: Orphanet 140922, MedGen C1837342, MONDO:0012127, OMIM 608807.

Submission:

Labcorp Genetics (formerly Invitae), Labcorp
Classification: Likely pathogenic for Dilated cardiomyopathy 1G; Autosomal recessive limb-girdle muscular dystrophy type 2J. Last evaluated: 2024-10-22. Review status: criteria provided, single submitter. Criteria: Invitae Variant Classification Sherloc (09022015). Collection method: clinical testing. Allele origin: germline.
Comment: This sequence change creates a premature translational stop signal (p.Val34138Phefs*5) in the TTN gene. While this is not anticipated to result in nonsense mediated decay, it is expected to create a truncated TTN protein. This variant is not present in population databases (gnomAD no frequency). This variant has not been reported in the literature in individuals affected with TTN-related conditions. This variant is located in the M band of TTN (PMID: 25589632). Truncating variants in this region have been previously reported in individuals affected with autosomal dominant or autosomal recessive myopathy and muscular dystrophy (PMID: 18948003, 23975875, 24395473). Truncating variants in this region have also been identified in individuals affected with autosomal dominant dilated cardiomyopathy and/or cardio-related conditions (PMID: 27869827, 32964742, internal data). In summary, the currently available evidence indicates that the variant is pathogenic, but additional data are needed to prove that conclusively. Therefore, this variant has been classified as Likely Pathogenic.

Literature cited by the submitters: PubMed 25589632; PubMed 18948003; PubMed 23975875; PubMed 24395473; PubMed 27869827; PubMed 32964742.

NM_001267550.2(TTN):c.102412del (p.Val34138fs)

Genes: TTN-AS1 (TTN antisense RNA 1; plus strand), TTN (titin; minus strand). Cytogenetic location: 2q31.2.
Variant type: Deletion.
Coding change: c.102412del on transcript NM_001267550.2 (MANE Select); coding-DNA position 102412, one base deleted (G; older notation c.102412delG).
Protein change: p.Val34138fs; shifts the reading frame from valine 34138.
Molecular consequence: frameshift variant.
Genome position (GRCh38, 1-based): chr2:178,534,203, C deleted on the plus strand (G on the coding strand, the reverse complement: TTN is on the minus strand). VCF-style (leftmost placement, unchanged base first): chr2-178534202-AC-A. GRCh37 (hg19) VCF-style: chr2-179398929-AC-A.
Other names: c.97489del, p.Val32497fs (NM_001256850.1); c.75217del, p.Val25073fs (NM_003319.4); c.94708del, p.Val31570fs (NM_133378.4); c.75592del, p.Val25198fs (NM_133432.3); c.75793del, p.Val25265fs (NM_133437.4); short protein forms V25073fs, V25198fs, V25265fs, V31570fs, V32497fs, V34138fs.
Identifiers: ClinVar variation 3759555 (VCV003759555.2).
Genomic context (GRCh38, chr2:178,534,202, plus strand): 5'-TTGCATACATATTTGACATGTCCTCCTTCTTCACCAACTGCATGCATTATCTGCCCAGAA[AC>A]TGGGCCAATTTCAATGGATGCCACTTTAACTTTAGCAACACTCACTCCCTTCTGAGATCG-3'